The following is an entry in ClinVar:

ClinVar aggregate classification (germline): Likely pathogenic. Review status: criteria provided, multiple submitters, no conflicts (2 of 4 stars). 2 submissions from 2 submitters: Likely pathogenic (2). Last evaluated 2025-12-08.

Conditions:
Dilated cardiomyopathy 1G (CMD1G). Identifiers: Orphanet 154, MedGen C1858763, MONDO:0011400, OMIM 604145.
Autosomal recessive limb-girdle muscular dystrophy type 2J (LGMDR10). Also called: Limb-girdle muscular dystrophy, type 2J; MUSCULAR DYSTROPHY, LIMB-GIRDLE, AUTOSOMAL RECESSIVE 10. Identifiers: Orphanet 140922, MedGen C1837342, MONDO:0012127, OMIM 608807.
Cardiovascular phenotype. Identifiers: MedGen CN230736.

Submissions (2):

Ambry Genetics
Classification: Likely pathogenic for Cardiovascular phenotype. Last evaluated: 2025-12-08. Review status: criteria provided, single submitter. Criteria: Ambry Variant Classification Scheme 2023. Collection method: clinical testing. Allele origin: germline.
Comment: The c.54423_58873del4451 gross deletion includes a portion of coding exon 153 in the TTN gene. This exon is located in the A-band region of the N2-B isoform of the titin protein and is constitutively expressed in TTN transcripts (percent spliced in or PSI 100%). This variant is considered to be rare based on population cohorts in the Genome Aggregation Database (gnomAD). This variant is expected to result in loss of function by premature protein truncation or nonsense-mediated mRNA decay. While truncating variants in TTN are present in 1-3% of the general population, truncating variants in the A-band are the most common cause of dilated cardiomyopathy (Herman DS et al. N. Engl. J. Med., 2012 Feb;366:619-28; Roberts AM et al. Sci Transl Med, 2015 Jan;7:270ra6). TTN truncating variants encoded in constitutive exons (PSI >90%) have been found to be significantly associated with DCM regardless of their position in titin (Schafer S et al. Nat. Genet., 2017 01;49:46-53; Akhtar MM et al. Circ Heart Fail, 2020 Oct;13:e006832; Massier M et al. Clin Genet, 2025 Jan). Based on the majority of available evidence to date, this variant is likely to be pathogenic.

Labcorp Genetics (formerly Invitae), Labcorp
Classification: Likely pathogenic for Dilated cardiomyopathy 1G; Limb-girdle muscular dystrophy, type 2J. Last evaluated: 2019-12-30. Review status: criteria provided, single submitter. Criteria: Invitae Variant Classification Sherloc (09022015). Collection method: clinical testing. Allele origin: germline.
Comment: This sequence change results in a premature translational stop signal in the TTN gene (p.Val27207Glnfs*4). While this is not anticipated to result in nonsense mediated decay, it is expected to create a truncated TTN protein. This variant has not been reported in the literature in individuals with TTN-related conditions. ClinVar contains an entry for this variant (Variation ID: 657182). This variant is located in the A band of TTN (PMID: 25589632). Truncating variants in this region are significantly overrepresented in patients affected with dilated cardiomyopathy (PMID: 25589632). Truncating variants in this region have also been reported in individuals affected with autosomal recessive centronuclear myopathy (PMID: 23975875). In summary, the currently available evidence indicates that the variant is pathogenic, but additional data are needed to prove that conclusively. Therefore, this variant has been classified as Likely Pathogenic.

Literature cited by the submitters: PubMed 23975875 (cited by Labcorp Genetics (formerly Invitae), Labcorp); PubMed 25589632 (cited by Labcorp Genetics (formerly Invitae), Labcorp).

NM_001267550.2(TTN):c.81618_86068del (p.Val27207fs)

Genes: TTN (titin; minus strand), TTN-AS1 (TTN antisense RNA 1; plus strand). Cytogenetic location: 2q31.2.
Variant type: Deletion.
Coding change: c.81618_86068del on transcript NM_001267550.2 (MANE Select); coding-DNA positions 81618 to 86068, 4,451 bases deleted.
Protein change: p.Val27207fs; shifts the reading frame from valine 27207.
Molecular consequence: frameshift variant.
Genome position (GRCh38, 1-based): chr2:178,560,064-178,564,514, 4,451 bases deleted. GRCh37 (hg19): chr2:179,424,793-179,429,243.
Other names: c.76695_81145del, p.Val25566fs (NM_001256850.1); c.54423_58873del, p.Val18142fs (NM_003319.4); c.73914_78364del, p.Val24639fs (NM_133378.4); c.54798_59248del, p.Val18267fs (NM_133432.3); c.54999_59449del, p.Val18334fs (NM_133437.4); c.54423_58873del4451 (NM_003319.4); short protein forms V18142fs, V18267fs, V18334fs, V24639fs, V25566fs, V27207fs.
Identifiers: ClinVar variation 657182 (VCV000657182.5), ClinGen allele CA915942193.